The following is an entry in ClinVar:

NM_000193.4(SHH):c.677C>A (p.Ala226Glu)

Gene: SHH (sonic hedgehog signaling molecule; minus strand). Cytogenetic location: 7q36.3.
Variant type: single nucleotide variant.
Coding change: c.677C>A on transcript NM_000193.4 (MANE Select); coding-DNA position 677, C replaced by A.
Protein change: p.Ala226Glu; replaces alanine 226 with glutamic acid.
Molecular consequence: missense variant. On other transcripts: intron variant (1).
Genome position (GRCh38, 1-based): chr7:155,803,612, G>T on the plus strand (C>A on the coding strand, the complement: SHH is on the minus strand). VCF-style: chr7-155803612-G-T. GRCh37 (hg19) VCF-style: chr7-155596306-G-T.
Other names: c.301+2684C>A (NM_001310462.2); short protein forms A226E.
Identifiers: ClinVar variation 3775152 (VCV003775152.1).

ClinVar aggregate classification (germline): Likely pathogenic (1 of 4 stars; one submission).

Conditions:
Holoprosencephaly 3 (HPE3). Identifiers: Orphanet 2162, MedGen C1840529, MONDO:0007733, OMIM 142945.

Submission:

Laboratory of Molecular Genetics, CHU Rennes
Classification: Likely pathogenic for Holoprosencephaly 3. Last evaluated: 2025-02-27. Review status: criteria provided, single submitter. Criteria: ACMG Guidelines, 2015. Collection method: clinical testing. Allele origin: maternal. Inheritance: Oligogenic inheritance. Affected: yes.
Comment: The NM_000193.4:c.677C>A, is a missense variant in SHH in the Hint domain (PM1), absent from controls (PM2), predicted pathogenic by prediction tools (PP3).